The following is an entry in ClinVar:

NM_000535.7(PMS2):c.1999G>T (p.Glu667Ter)

Gene: PMS2 (PMS1 homolog 2, mismatch repair system component; minus strand). Cytogenetic location: 7p22.1.
Variant type: single nucleotide variant.
Coding change: c.1999G>T on transcript NM_000535.7 (MANE Select); coding-DNA position 1999, G replaced by T.
Protein change: p.Glu667Ter; replaces glutamic acid 667 with a stop codon.
Molecular consequence: nonsense. On other transcripts: non-coding transcript variant (1).
Genome position (GRCh38, 1-based): chr7:5,986,766, C>A on the plus strand (G>T on the coding strand, the complement: PMS2 is on the minus strand). VCF-style: chr7-5986766-C-A. GRCh37 (hg19) VCF-style: chr7-6026397-C-A.
Other names: c.1594G>T, p.Glu532Ter (NM_001406898.1, NM_001406899.1, NM_001406908.1 and 17 more transcripts); c.1534G>T, p.Glu512Ter (NM_001406900.1); c.1525G>T, p.Glu509Ter (NM_001406901.1, NM_001406902.1); c.1681G>T, p.Glu561Ter (NM_001406903.1, NM_001322007.2, NM_001322008.2 and 2 more transcripts); c.1486G>T, p.Glu496Ter (NM_001406904.1, NM_001406905.1); c.1438G>T, p.Glu480Ter (NM_001406906.1, NM_001406907.1, NM_001322010.2); c.1426G>T, p.Glu476Ter (NM_001406909.1, NM_001322013.2); c.1228G>T, p.Glu410Ter (NM_001406911.1); and 12 more; short protein forms E532*, E545*, E601*, E675*, E476*, E512*, E561*, E356*.
Identifiers: ClinVar variation 1784116 (VCV001784116.2), dbSNP rs587780045, ClinGen allele CA366738880.
Genomic context (GRCh38, chr7:5,986,766, plus strand): 5'-TAAAAATAAAAATTTTAGATAAAAAGAGAAAAAGTAAAAAATTAAAACTTTACCTTATCT[C>A]TTTTCTTAGTTCATCTTCGGCTGCTTGATTTTCTCCAGGACAAATCTTTGCCCTAAACTT-3'

ClinVar aggregate classification (germline): Pathogenic (1 of 4 stars; one submission).

Conditions:
Hereditary cancer-predisposing syndrome. Also called: Neoplastic Syndromes, Hereditary; Tumor predisposition; Hereditary Cancer Syndrome; Hereditary neoplastic syndrome. Identifiers: Orphanet 140162, MedGen C0027672, MeSH D009386, MONDO:0015356.

Submission:

Ambry Genetics
Classification: Pathogenic for Hereditary cancer-predisposing syndrome. Last evaluated: 2020-03-09. Review status: criteria provided, single submitter. Criteria: Ambry Variant Classification Scheme 2023. Collection method: clinical testing. Allele origin: germline.
Comment: The p.E667* variant (also known as c.1999G>T), located in coding exon 11 of the PMS2 gene, results from a G to T substitution at nucleotide position 1999. This changes the amino acid from a glutamic acid to a stop codon within coding exon 11. This alteration is expected to result in loss of function by premature protein truncation or nonsense-mediated mRNA decay. As such, this alteration is interpreted as a disease-causing mutation.